The following is an entry in ClinVar:

ClinVar aggregate classification (germline): Uncertain significance (1 of 4 stars; one submission).

Submission:

Labcorp Genetics (formerly Invitae), Labcorp
Classification: Uncertain significance. Last evaluated: 2025-07-13. Review status: criteria provided, single submitter. Criteria: Invitae Variant Classification Sherloc (09022015). Collection method: clinical testing. Allele origin: germline.
Comment: This sequence change replaces isoleucine, which is neutral and non-polar, with threonine, which is neutral and polar, at codon 508 of the LEMD3 protein (p.Ile508Thr). This variant is not present in population databases (gnomAD no frequency). This variant has not been reported in the literature in individuals affected with LEMD3-related conditions. An algorithm developed to predict the effect of missense changes on protein structure and function (PolyPhen-2) suggests that this variant is likely to be tolerated. In summary, the available evidence is currently insufficient to determine the role of this variant in disease. Therefore, it has been classified as a Variant of Uncertain Significance.

NM_014319.5(LEMD3):c.1523T>C (p.Ile508Thr)

Gene: LEMD3 (LEM domain containing 3; plus strand). Cytogenetic location: 12q14.3.
Variant type: single nucleotide variant.
Coding change: c.1523T>C on transcript NM_014319.5 (MANE Select); coding-DNA position 1523, T replaced by C.
Protein change: p.Ile508Thr; replaces isoleucine 508 with threonine.
Molecular consequence: missense variant. On other transcripts: intron variant (1).
Genome position (GRCh38, 1-based): chr12:65,210,926, T>C. VCF-style: chr12-65210926-T-C. GRCh37 (hg19) VCF-style: chr12-65604706-T-C.
Other names: c.1523-3T>C (NM_001167614.2); short protein forms I508T.
Identifiers: ClinVar variation 4772616 (VCV004772616.1).
Genomic context (GRCh38, chr12:65,210,926, plus strand): 5'-TTTGGGGGATTTTAATTCGTAAGTGATGCTAATACTTGTCTTTTTTTCCTTCCTTGATAG[T>C]AGAAAACCCCTTTGGTGAAACATTTGGAAAAATACAAGTAAGTAAACGATCATAATACTG-3'
Protein context (NP_055134.2, residues 498-518): TGVSEDGELS[Ile508Thr]ENPFGETFGK